The following is an entry in ClinVar:

NM_025144.4(ALPK1):c.3185G>A (p.Gly1062Glu)

Gene: ALPK1 (alpha kinase 1; plus strand). Cytogenetic location: 4q25.
Variant type: single nucleotide variant.
Coding change: c.3185G>A on transcript NM_025144.4 (MANE Select); coding-DNA position 3185, G replaced by A.
Protein change: p.Gly1062Glu; replaces glycine 1062 with glutamic acid.
Molecular consequence: missense variant.
Genome position (GRCh38, 1-based): chr4:112,435,298, G>A. VCF-style: chr4-112435298-G-A. GRCh37 (hg19) VCF-style: chr4-113356454-G-A.
Other names: c.3185G>A, p.Gly1062Glu (NM_001102406.2); c.2951G>A, p.Gly984Glu (NM_001253884.2); short protein forms G984E, G1062E.
Identifiers: ClinVar variation 2117663 (VCV002117663.5), dbSNP rs758278222, ClinGen allele CA3047097.
Genomic context (GRCh38, chr4:112,435,298, plus strand): 5'-AAAAAGGCAGACAAAGAAATGCTTTTTGGGTTCATCATCTTCATCAAGAAGAAATTCTGG[G>A]GAGGTATTACTTAAAAACATTTGTATAACTAATGTAAGATGAGCTAACCTTGCTCTTCTG-3'
Protein context (NP_079420.3, residues 1052-1072): VHHLHQEEIL[Gly1062Glu]RYVGKDYKEQ

ClinVar aggregate classification (germline): Uncertain significance. Review status: criteria provided, multiple submitters, no conflicts (2 of 4 stars). 2 submissions from 2 submitters: Uncertain significance (2). Last evaluated 2025-05-19.

Conditions:
Inborn genetic diseases. Identifiers: MedGen C0950123, MeSH D030342.

Allele frequency attached by ClinVar (database versions not stated): ExAC 0.00002; gnomAD exomes below 0.00001.
gnomAD v4.1: 6 of 1,607,984 alleles (0.00037%); highest among the groups gnomAD compares: South Asian, 0.0056%; no homozygotes.

Submissions (2):

Labcorp Genetics (formerly Invitae), Labcorp
Classification: Uncertain significance. Last evaluated: 2025-05-19. Review status: criteria provided, single submitter. Criteria: Invitae Variant Classification Sherloc (09022015). Collection method: clinical testing. Allele origin: germline.
Comment: This sequence change replaces glycine, which is neutral and non-polar, with glutamic acid, which is acidic and polar, at codon 1062 of the ALPK1 protein (p.Gly1062Glu). This variant is present in population databases (rs758278222, gnomAD 0.01%). This variant has not been reported in the literature in individuals affected with ALPK1-related conditions. ClinVar contains an entry for this variant (Variation ID: 2117663). Invitae Evidence Modeling of protein sequence and biophysical properties (such as structural, functional, and spatial information, amino acid conservation, physicochemical variation, residue mobility, and thermodynamic stability) indicates that this missense variant is expected to disrupt ALPK1 protein function with a positive predictive value of 80%. In summary, the available evidence is currently insufficient to determine the role of this variant in disease. Therefore, it has been classified as a Variant of Uncertain Significance.

Ambry Genetics
Classification: Uncertain significance for Inborn genetic diseases. Last evaluated: 2022-01-04. Review status: criteria provided, single submitter. Criteria: Ambry Variant Classification Scheme 2023. Collection method: clinical testing. Allele origin: germline.